The following is an entry in ClinVar:

NC_000009.12:g.34646584C>G

Gene: GALT (galactose-1-phosphate uridylyltransferase; plus strand). Cytogenetic location: 9p13.3.
Variant type: single nucleotide variant.
Genome position: GRCh38 VCF-style: chr9-34646584-C-G. GRCh37 (hg19) VCF-style: chr9-34646581-C-G.
Identifiers: ClinVar variation 929184 (VCV000929184.5), dbSNP rs368046870, ClinGen allele CA192668885.
Genomic context (GRCh38, chr9:34,646,584, plus strand): 5'-CCCCCAGGGTTCACAGCTGTTCTGAGCCCCGCCCCCAGGTGGCAGGGCAGCCCAGTCAGT[C>G]AGTCACGTGCTGGCGGCTGGCCAATCATCGGGGGCGGCGCGGGGAGGGGTGGTGTGGACG-3'

ClinVar aggregate classification (germline): Uncertain significance. Review status: criteria provided, multiple submitters, no conflicts (2 of 4 stars). 2 submissions from 2 submitters: Uncertain significance (2). Last evaluated 2022-08-22.

Conditions:
Deficiency of UDPglucose-hexose-1-phosphate uridylyltransferase. Also called: Transferase Deficiency Galactosemia; GALT deficiency; Galactosemia, classic; GALACTOSEMIA I; GALACTOSE-1-PHOSPHATE URIDYLYLTRANSFERASE DEFICIENCY. Identifiers: Orphanet 352, Orphanet 79239, MedGen C0268151, MONDO:0009258, OMIM 230400.

Allele frequency attached by ClinVar (database versions not stated): gnomAD 0.00024 and 0.00021; TOPMed 0.00029.

Submissions (2):

Labcorp Genetics (formerly Invitae), Labcorp
Classification: Uncertain significance for Deficiency of UDPglucose-hexose-1-phosphate uridylyltransferase. Last evaluated: 2022-08-22. Review status: criteria provided, single submitter. Criteria: Invitae Variant Classification Sherloc (09022015). Collection method: clinical testing. Allele origin: germline.
Comment: This variant occurs in a non-coding region of the GALT gene. It does not change the encoded amino acid sequence of the GALT protein. This variant is present in population databases (rs368046870, gnomAD 0.05%). This variant has not been reported in the literature in individuals affected with GALT-related conditions. ClinVar contains an entry for this variant (Variation ID: 929184). In summary, the available evidence is currently insufficient to determine the role of this variant in disease. Therefore, it has been classified as a Variant of Uncertain Significance.

Women's Health and Genetics/Laboratory Corporation of America, LabCorp
Classification: Uncertain significance. Last evaluated: 2019-08-26. Review status: criteria provided, single submitter. Criteria: LabCorp Variant Classification Summary - May 2015. Collection method: clinical testing. Allele origin: germline.
Comment: Variant summary: GALT c.-121C>G is located in the untranscribed region upstream of the GALT gene region. The variant allele was found at a frequency of 0.00013 in 31394 control chromosomes (gnomAD). The available data on variant occurrences in the general population are insufficient to allow any conclusion about variant significance. To our knowledge, no occurrence of c.-121C>G in individuals affected with Galactosemia and no experimental evidence demonstrating its impact on protein function have been reported. No clinical diagnostic laboratories have submitted clinical-significance assessments for this variant to ClinVar after 2014. Based on the evidence outlined above, the variant was classified as uncertain significance.